The following is an entry in ClinVar:

NM_000264.5(PTCH1):c.982C>T (p.His328Tyr)

Gene: PTCH1 (patched 1; minus strand). Cytogenetic location: 9q22.32.
Variant type: single nucleotide variant.
Coding change: c.982C>T on transcript NM_000264.5 (MANE Select); coding-DNA position 982, C replaced by T.
Protein change: p.His328Tyr; replaces histidine 328 with tyrosine.
Molecular consequence: missense variant. On other transcripts: non-coding transcript variant (1).
Genome position (GRCh38, 1-based): chr9:95,480,054, G>A on the plus strand (C>T on the coding strand, the complement: PTCH1 is on the minus strand). VCF-style: chr9-95480054-G-A. GRCh37 (hg19) VCF-style: chr9-98242336-G-A.
Other names: c.784C>T, p.His262Tyr (NM_001083602.3); c.979C>T, p.His327Tyr (NM_001083603.3); c.529C>T, p.His177Tyr (NM_001083604.3, NM_001083605.3, NM_001083606.3 and 1 more transcripts); c.982C>T, p.His328Tyr (NM_001354918.2); short protein forms H328Y, H327Y, H177Y, H262Y.
Identifiers: ClinVar variation 3784677 (VCV003784677.1).

ClinVar aggregate classification (germline): Uncertain significance (1 of 4 stars; one submission).

Conditions:
Hereditary cancer-predisposing syndrome. Also called: Neoplastic Syndromes, Hereditary; Hereditary Cancer Syndrome; Tumor predisposition; Hereditary neoplastic syndrome. Identifiers: Orphanet 140162, MedGen C0027672, MeSH D009386, MONDO:0015356.

gnomAD v4.1: 1 of 1,613,842 alleles (0.000062%); highest among the groups gnomAD compares: Non-Finnish European, 0.000085%; no homozygotes.

Submission:

Ambry Genetics
Classification: Uncertain significance for Hereditary cancer-predisposing syndrome. Last evaluated: 2025-03-02. Review status: criteria provided, single submitter. Criteria: Ambry Variant Classification Scheme 2023. Collection method: clinical testing. Allele origin: germline.
Comment: The p.H328Y variant (also known as c.982C>T), located in coding exon 7 of the PTCH1 gene, results from a C to T substitution at nucleotide position 982. The histidine at codon 328 is replaced by tyrosine, an amino acid with similar properties. This amino acid position is conserved. In addition, this alteration is predicted to be tolerated by in silico analysis. Based on the available evidence, the clinical significance of this variant remains unclear.